The following is an entry in ClinVar:

NM_000286.3(PEX12):c.428_438del (p.Tyr143fs)

Gene: PEX12 (peroxisomal biogenesis factor 12; minus strand). Cytogenetic location: 17q12.
Variant type: Deletion.
Coding change: c.428_438del on transcript NM_000286.3 (MANE Select); coding-DNA positions 428 to 438, 11 bases deleted (ATTCTATTCAT).
Protein change: p.Tyr143fs; shifts the reading frame from tyrosine 143.
Molecular consequence: frameshift variant.
Genome position (GRCh38, 1-based): chr17:35,577,280-35,577,290, ATGAATAGAAT deleted on the plus strand (ATTCTATTCAT on the coding strand, the reverse complement: PEX12 is on the minus strand); deleting any 11 consecutive bases within chr17:35,577,280-35,577,292 gives the same sequence; the c. name uses the placement nearest the transcript's 3' end. VCF-style (leftmost placement, unchanged base first): chr17-35577279-GATGAATAGAAT-G. GRCh37 (hg19) VCF-style: chr17-33904298-GATGAATAGAAT-G.
Other names: short protein forms Y143fs.
Identifiers: ClinVar variation 5004410 (VCV005004410.1).

ClinVar aggregate classification (germline): Pathogenic (1 of 4 stars; one submission).

Conditions:
Peroxisome biogenesis disorder. Identifiers: Orphanet 79189, MedGen C1832200, MONDO:0019234. Disease mechanism: loss of function.

Submission:

Myriad Genetics, Inc.
Classification: Pathogenic for Peroxisome biogenesis disorder. Last evaluated: 2026-01-20. Review status: criteria provided, single submitter. Criteria: Myriad Autosomal Dominant, Autosomal Recessive and X-Linked Classification Criteria (2023). Collection method: clinical testing. Allele origin: unknown.
Comment: NM_000286.2(PEX12):c.428_438del11(Y143Sfs*71) is a frameshift variant classified as pathogenic in the context of peroxisome biogenesis disorder type 3. Y143Sfs*71 has not been observed in cases with relevant disease. Relevant functional assessments of this variant are not available in the literature. Y143Sfs*71 has not been observed in referenced population frequency databases. In summary, NM_000286.2(PEX12):c.428_438del11(Y143Sfs*71) is a frameshift variant in a gene where loss of function is a known mechanism of disease and is predicted to disrupt protein function. Please note: this variant was assessed in the context of healthy population screening.